The following is an entry in ClinVar:

ClinVar aggregate classification (germline): Pathogenic/Likely pathogenic. Review status: criteria provided, multiple submitters, no conflicts (2 of 4 stars). 2 submissions from 2 submitters: Pathogenic (1); Likely pathogenic (1). Last evaluated 2025-05-05.

Conditions:
Deficiency of butyrylcholinesterase (BCHED). Also called: Butyrylcholinesterase deficiency; Deficiency of butyrylcholine esterase; BCHE, silent 1; Acholinesterasemia. Identifiers: Orphanet 132, MedGen C1283400, MONDO:0015270, OMIM 617936.

Submissions (2):

Myriad Genetics, Inc.
Classification: Pathogenic for Deficiency of butyrylcholinesterase. Last evaluated: 2025-05-05. Review status: criteria provided, single submitter. Criteria: Myriad Autosomal Dominant, Autosomal Recessive and X-Linked Classification Criteria (2023). Collection method: clinical testing. Allele origin: unknown.
Comment: NM_000055.2(BCHE):c.522_537del16(Y174*) is a nonsense variant classified as pathogenic in the context of pseudocholinesterase deficiency. Y174* has not been observed in cases with relevant disease. Relevant functional assessments of this variant are not available in the literature. Y174* has been observed in referenced population frequency databases. In summary, NM_000055.2(BCHE):c.522_537del16(Y174*) is a nonsense variant in a gene where loss of function is a known mechanism of disease and is predicted to disrupt protein function. Please note: this variant was assessed in the context of healthy population screening.

Revvity Omics, Revvity
Classification: Likely pathogenic for Deficiency of butyrylcholinesterase. Last evaluated: 2022-08-30. Review status: criteria provided, single submitter. Criteria: ACMG Guidelines, 2015. Collection method: clinical testing. Allele origin: germline.

NM_000055.4(BCHE):c.522_537del (p.Asn173_Tyr174insTer)

Gene: BCHE (butyrylcholinesterase; minus strand). Cytogenetic location: 3q26.1.
Variant type: Deletion.
Coding change: c.522_537del on transcript NM_000055.4 (MANE Select); coding-DNA positions 522 to 537, 16 bases deleted (TAGGGTGGGTGCCCTA).
Protein change: p.Asn173_Tyr174insTer.
Molecular consequence: nonsense. On other transcripts: non-coding transcript variant (1).
Genome position (GRCh38, 1-based): chr3:165,830,497-165,830,512, TAGGGCACCCACCCTA deleted on the plus strand (TAGGGTGGGTGCCCTA on the coding strand, the reverse complement: BCHE is on the minus strand); deleting any 16 consecutive bases within chr3:165,830,497-165,830,515 gives the same sequence; the c. name uses the placement nearest the transcript's 3' end. VCF-style (leftmost placement, unchanged base first): chr3-165830496-CTAGGGCACCCACCCTA-C. GRCh37 (hg19) VCF-style: chr3-165548284-CTAGGGCACCCACCCTA-C.
Identifiers: ClinVar variation 2437111 (VCV002437111.3), dbSNP rs759643427, ClinGen allele CA2692483.